The following is an entry in ClinVar:

ClinVar aggregate classification (germline): Uncertain significance (1 of 4 stars; one submission).

Conditions:
MHC class I deficiency. Identifiers: Orphanet 34592, MedGen C6024714, MONDO:0011476.

gnomAD v4.1: 1 of 1,612,870 alleles (0.000062%); highest among the groups gnomAD compares: African/African-American, 0.0013%; no homozygotes.

Submission:

Labcorp Genetics (formerly Invitae), Labcorp
Classification: Uncertain significance for MHC class I deficiency 1. Last evaluated: 2022-01-19. Review status: criteria provided, single submitter. Criteria: Invitae Variant Classification Sherloc (09022015). Collection method: clinical testing. Allele origin: germline.
Comment: In summary, the available evidence is currently insufficient to determine the role of this variant in disease. Therefore, it has been classified as a Variant of Uncertain Significance. Algorithms developed to predict the effect of missense changes on protein structure and function are either unavailable or do not agree on the potential impact of this missense change (SIFT: "Tolerated"; PolyPhen-2: "Not Available"; Align-GVGD: "Class C0"). This variant has not been reported in the literature in individuals affected with TAP2-related conditions. This variant is present in population databases (no rsID available, gnomAD 0.007%). This sequence change replaces alanine, which is neutral and non-polar, with serine, which is neutral and polar, at codon 324 of the TAP2 protein (p.Ala324Ser).

NM_001290043.2(TAP2):c.970G>T (p.Ala324Ser)

Gene: TAP2 (transporter 2, ATP binding cassette subfamily B member; minus strand). Cytogenetic location: 6p21.32.
Variant type: single nucleotide variant.
Coding change: c.970G>T on transcript NM_001290043.2 (MANE Select); coding-DNA position 970, G replaced by T.
Protein change: p.Ala324Ser; replaces alanine 324 with serine.
Molecular consequence: missense variant.
Genome position (GRCh38, 1-based): chr6:32,832,800, C>A on the plus strand (G>T on the coding strand, the complement: TAP2 is on the minus strand). VCF-style: chr6-32832800-C-A. GRCh37 (hg19) VCF-style: chr6-32800577-C-A.
Other names: c.970G>T, p.Ala324Ser (NM_000544.3, NM_018833.3); short protein forms A324S.
Identifiers: ClinVar variation 2088196 (VCV002088196.4), dbSNP rs143726288, ClinGen allele CA363583436.
Genomic context (GRCh38, chr6:32,832,800, plus strand): 5'-TGCGAACGGTCTGCAGCCCTCCAACGGCTTCCCGCACCACCTGCCCCGCCCTGGCCACTG[C>A]ATCCTGGATCTCCCGAAGCACTTCCTGGAAAAGAGGGCCAGCAAACACCAGGGCTGATGT-3'
Protein context (NP_001276972.1, residues 314-334): HQEVLREIQD[Ala324Ser]VARAGQVVRE